The following is an entry in ClinVar:

NM_001375380.1(EBF3):c.925C>T (p.His309Tyr)

Genes: EBF3 (EBF transcription factor 3; minus strand), EBF3-AS1 (EBF3 antisense RNA 1; plus strand). Cytogenetic location: 10q26.3.
Variant type: single nucleotide variant.
Coding change: c.925C>T on transcript NM_001375380.1 (MANE Select); coding-DNA position 925, C replaced by T.
Protein change: p.His309Tyr; replaces histidine 309 with tyrosine.
Molecular consequence: missense variant.
Genome position (GRCh38, 1-based): chr10:129,867,255, G>A on the plus strand (C>T on the coding strand, the complement: EBF3 is on the minus strand). VCF-style: chr10-129867255-G-A. GRCh37 (hg19) VCF-style: chr10-131665519-G-A.
Other names: c.898C>T, p.His300Tyr (NM_001005463.3, NM_001375390.1, NM_001375392.1); c.925C>T, p.His309Tyr (NM_001375379.1, NM_001375389.1, NM_001375391.1); short protein forms H300Y, H309Y.
Identifiers: ClinVar variation 2499720 (VCV002499720.1), dbSNP rs2493982049, ClinGen allele CA378725144.

ClinVar aggregate classification (germline): Uncertain significance (1 of 4 stars; one submission).

Allele frequency attached by ClinVar (database versions not stated): gnomAD exomes 0.00001.
gnomAD v4.1: 6 of 1,614,088 alleles (0.00037%); highest among the groups gnomAD compares: African/African-American, 0.0013%; no homozygotes.

Submission:

GeneDx
Classification: Uncertain significance. Last evaluated: 2022-10-18. Review status: criteria provided, single submitter. Criteria: GeneDx Variant Classification Process June 2021. Collection method: clinical testing. Allele origin: germline. Affected: yes.
Comment: Not observed at significant frequency in large population cohorts (gnomAD); In silico analysis supports that this missense variant has a deleterious effect on protein structure/function; Has not been previously published as pathogenic or benign to our knowledge